The following is an entry in ClinVar:

NM_033026.6(PCLO):c.10072A>T (p.Thr3358Ser)

Gene: PCLO (piccolo presynaptic cytomatrix protein; minus strand). Cytogenetic location: 7q21.11.
Variant type: single nucleotide variant.
Coding change: c.10072A>T on transcript NM_033026.6 (MANE Select); coding-DNA position 10072, A replaced by T.
Protein change: p.Thr3358Ser; replaces threonine 3358 with serine.
Molecular consequence: missense variant.
Genome position (GRCh38, 1-based): chr7:82,950,516, T>A on the plus strand (A>T on the coding strand, the complement: PCLO is on the minus strand). VCF-style: chr7-82950516-T-A. GRCh37 (hg19) VCF-style: chr7-82579832-T-A.
Other names: c.10072A>T, p.Thr3358Ser (NM_014510.3); short protein forms T3358S.
Identifiers: ClinVar variation 1488107 (VCV001488107.6), dbSNP rs2116421769, ClinGen allele CA367905662.

ClinVar aggregate classification (germline): Uncertain significance (1 of 4 stars; one submission).

Submission:

Labcorp Genetics (formerly Invitae), Labcorp
Classification: Uncertain significance. Last evaluated: 2022-02-09. Review status: criteria provided, single submitter. Criteria: Invitae Variant Classification Sherloc (09022015). Collection method: clinical testing. Allele origin: germline.
Comment: Algorithms developed to predict the effect of missense changes on protein structure and function are either unavailable or do not agree on the potential impact of this missense change (SIFT: "Tolerated"; PolyPhen-2: "Not Available"; Align-GVGD: "Class C0"). This variant has not been reported in the literature in individuals affected with PCLO-related conditions. This variant is not present in population databases (gnomAD no frequency). This sequence change replaces threonine, which is neutral and polar, with serine, which is neutral and polar, at codon 3358 of the PCLO protein (p.Thr3358Ser). In summary, the available evidence is currently insufficient to determine the role of this variant in disease. Therefore, it has been classified as a Variant of Uncertain Significance.